The following is an entry in ClinVar:

ClinVar aggregate classification (germline): Likely benign (0 of 4 stars; one submission).

Conditions:
TOPBP1-related disorder. Also called: TOPBP1-related condition.

Allele frequency attached by ClinVar (database versions not stated): gnomAD 0.00001.
gnomAD v4.1: 2 of 1,613,590 alleles (0.00012%); highest among the groups gnomAD compares: Admixed American, 0.0033%; no homozygotes.

Submission:

PreventionGenetics, part of Exact Sciences
Classification: Likely benign for TOPBP1-related condition. Last evaluated: 2020-09-03. Review status: no assertion criteria provided. Collection method: clinical testing. Allele origin: germline.
Comment: This variant is classified as likely benign based on ACMG/AMP sequence variant interpretation guidelines (Richards et al. 2015 PMID: 25741868, with internal and published modifications).

NM_007027.4(TOPBP1):c.4110A>C (p.Leu1370=)

Gene: TOPBP1 (DNA topoisomerase II binding protein 1; minus strand). Cytogenetic location: 3q22.1.
Variant type: single nucleotide variant.
Coding change: c.4110A>C on transcript NM_007027.4 (MANE Select); coding-DNA position 4110, A replaced by C.
Protein change: p.Leu1370=; no amino-acid change (leucine 1370 retained).
Molecular consequence: synonymous variant.
Genome position (GRCh38, 1-based): chr3:133,611,067, T>G on the plus strand (A>C on the coding strand, the complement: TOPBP1 is on the minus strand). VCF-style: chr3-133611067-T-G. GRCh37 (hg19) VCF-style: chr3-133329911-T-G.
Other names: c.4095A>C, p.Leu1365= (NM_001363889.2).
Identifiers: ClinVar variation 3036612 (VCV003036612.2), dbSNP rs1315899716, ClinGen allele CA435789030.